The following is an entry in ClinVar:

NM_014780.5(CUL7):c.3272C>T (p.Ser1091Leu)

Gene: CUL7 (cullin 7; minus strand). Cytogenetic location: 6p21.1.
Variant type: single nucleotide variant.
Coding change: c.3272C>T on transcript NM_014780.5 (MANE Select); coding-DNA position 3272, C replaced by T.
Protein change: p.Ser1091Leu; replaces serine 1091 with leucine.
Molecular consequence: missense variant.
Genome position (GRCh38, 1-based): chr6:43,043,531, G>A on the plus strand (C>T on the coding strand, the complement: CUL7 is on the minus strand). VCF-style: chr6-43043531-G-A. GRCh37 (hg19) VCF-style: chr6-43011269-G-A.
Other names: c.3368C>T, p.Ser1123Leu (NM_001168370.2, NM_001374872.1); c.3272C>T, p.Ser1091Leu (NM_001374873.1, NM_001374874.1); short protein forms S1123L, S1091L.
Identifiers: ClinVar variation 1348695 (VCV001348695.8), dbSNP rs775039766, ClinGen allele CA3813539.
Genomic context (GRCh38, chr6:43,043,531, plus strand): 5'-GGAGGGGGTGCCTCACAGGGCTCGACATGCACCAGCAGGTGAGTGAGACGGCGCACCCGC[G>A]AGAAGAAAGCTGGGCCGCGGCTCTGGGGGTTGAAGACAGCTTCCTGACACTCCAGGTACT-3'
Protein context (NP_055595.2, residues 1081-1101): NPQSRGPAFF[Ser1091Leu]RVRRLTHLLV

ClinVar aggregate classification (germline): Uncertain significance (1 of 4 stars; one submission).

Allele frequency attached by ClinVar (database versions not stated): TOPMed below 0.00001; gnomAD 0.00001; gnomAD exomes 0.00001; ExAC 0.00002.
gnomAD v4.1: 20 of 1,614,014 alleles (0.0012%); highest among the groups gnomAD compares: Middle Eastern, 0.049%; no homozygotes.

Submission:

Labcorp Genetics (formerly Invitae), Labcorp
Classification: Uncertain significance. Last evaluated: 2020-12-08. Review status: criteria provided, single submitter. Criteria: Invitae Variant Classification Sherloc (09022015). Collection method: clinical testing. Allele origin: germline.
Comment: This variant is present in population databases (rs775039766, ExAC 0.02%). This variant has not been reported in the literature in individuals with CUL7-related disease. Algorithms developed to predict the effect of missense changes on protein structure and function (SIFT, PolyPhen-2, Align-GVGD) all suggest that this variant is likely to be disruptive, but these predictions have not been confirmed by published functional studies and their clinical significance is uncertain. In summary, the available evidence is currently insufficient to determine the role of this variant in disease. Therefore, it has been classified as a Variant of Uncertain Significance. This sequence change replaces serine with leucine at codon 1091 of the CUL7 protein (p.Ser1091Leu). The serine residue is highly conserved and there is a large physicochemical difference between serine and leucine.